The following is an entry in ClinVar:

NM_000069.3(CACNA1S):c.3864G>A (p.Met1288Ile)

Gene: CACNA1S (calcium voltage-gated channel subunit alpha1 S; minus strand). Cytogenetic location: 1q32.1.
Variant type: single nucleotide variant.
Coding change: c.3864G>A on transcript NM_000069.3 (MANE Select); coding-DNA position 3864, G replaced by A.
Protein change: p.Met1288Ile; replaces methionine 1288 with isoleucine.
Molecular consequence: missense variant.
Genome position (GRCh38, 1-based): chr1:201,052,646, C>T on the plus strand (G>A on the coding strand, the complement: CACNA1S is on the minus strand). VCF-style: chr1-201052646-C-T. GRCh37 (hg19) VCF-style: chr1-201021774-C-T.
Other names: short protein forms M1288I.
Identifiers: ClinVar variation 2923282 (VCV002923282.3), dbSNP rs2464454880, ClinGen allele CA344152790.

ClinVar aggregate classification (germline): Uncertain significance (1 of 4 stars; one submission).

Conditions:
Malignant hyperthermia, susceptibility to, 5 (MHS5). Also called: CACNA1S-Related Malignant Hyperthermia Susceptibility. Identifiers: Orphanet 423, MedGen C1866077, MONDO:0011163, OMIM 601887.
Hypokalemic periodic paralysis, type 1. Also called: Hypokalemic Periodic Paralysis Type 1 (AD); HypoPP. Identifiers: Orphanet 681, MedGen C3714580, MONDO:0042979, OMIM 170400.

Allele frequency attached by ClinVar (database versions not stated): gnomAD exomes below 0.00001.

Submission:

Labcorp Genetics (formerly Invitae), Labcorp
Classification: Uncertain significance for Hypokalemic periodic paralysis, type 1; Malignant hyperthermia, susceptibility to, 5. Last evaluated: 2023-06-29. Review status: criteria provided, single submitter. Criteria: Invitae Variant Classification Sherloc (09022015). Collection method: clinical testing. Allele origin: germline.
Comment: This sequence change replaces methionine, which is neutral and non-polar, with isoleucine, which is neutral and non-polar, at codon 1288 of the CACNA1S protein (p.Met1288Ile). This variant is not present in population databases (gnomAD no frequency). This variant has not been reported in the literature in individuals affected with CACNA1S-related conditions. An algorithm developed to predict the effect of missense changes on protein structure and function (PolyPhen-2) suggests that this variant is likely to be tolerated. In summary, the available evidence is currently insufficient to determine the role of this variant in disease. Therefore, it has been classified as a Variant of Uncertain Significance.